The following is an entry in ClinVar:

NM_000268.4(NF2):c.1397G>T (p.Arg466Leu)

Gene: NF2 (NF2, moesin-ezrin-radixin like (MERLIN) tumor suppressor; plus strand). Cytogenetic location: 22q12.2.
Variant type: single nucleotide variant.
Coding change: c.1397G>T on transcript NM_000268.4 (MANE Select); coding-DNA position 1397, G replaced by T.
Protein change: p.Arg466Leu; replaces arginine 466 with leucine.
Molecular consequence: missense variant. On other transcripts: non-coding transcript variant (1), intron variant (1).
Genome position (GRCh38, 1-based): chr22:29,674,892, G>T. VCF-style: chr22-29674892-G-T. GRCh37 (hg19) VCF-style: chr22-30070881-G-T.
Other names: c.1397G>T, p.Arg466Leu (NM_016418.5, NM_181825.3, NM_181832.3); c.1271G>T, p.Arg424Leu (NM_181828.3); c.1274G>T, p.Arg425Leu (NM_181829.3); c.1148G>T, p.Arg383Leu (NM_181830.3, NM_181831.3); c.448-19860G>T (NM_181833.3); short protein forms R383L, R424L, R425L, R466L.
Identifiers: ClinVar variation 1053799 (VCV001053799.15), dbSNP rs866689896, ClinGen allele CA411149041.
Genomic context (GRCh38, chr22:29,674,892, plus strand): 5'-GCAGGGCCAAAGAGGCAGATCAGCTGAAGCAGGACCTGCAGGAAGCACGCGAGGCGGAGC[G>T]AAGAGCCAAGCAGAAGCTCCTGGAGATTGCCACCAAGCCCACGTACCCGGTGAGCCTGGG-3'
Protein context (NP_000259.1, residues 456-476): QDLQEAREAE[Arg466Leu]RAKQKLLEIA

ClinVar aggregate classification (germline): Uncertain significance. Review status: criteria provided, multiple submitters, no conflicts (2 of 4 stars). 2 submissions from 2 submitters: Uncertain significance (2). Last evaluated 2022-08-23.

Conditions:
Neurofibromatosis, type 2 (SWNV). Also called: BILATERAL ACOUSTIC NEUROFIBROMATOSIS; NF2-Related Schwannomatosis; SCHWANNOMATOSIS, VESTIBULAR. Identifiers: Orphanet 637, MedGen C0027832, MONDO:0007039, OMIM 101000. Disease mechanism: loss of function.
Hereditary cancer-predisposing syndrome. Also called: Neoplastic Syndromes, Hereditary; Hereditary Cancer Syndrome; Hereditary neoplastic syndrome; Tumor predisposition. Identifiers: Orphanet 140162, MedGen C0027672, MeSH D009386, MONDO:0015356.

Submissions (2):

Labcorp Genetics (formerly Invitae), Labcorp
Classification: Uncertain significance for Neurofibromatosis, type 2. Last evaluated: 2022-08-23. Review status: criteria provided, single submitter. Criteria: Invitae Variant Classification Sherloc (09022015). Collection method: clinical testing. Allele origin: germline.
Comment: In summary, the available evidence is currently insufficient to determine the role of this variant in disease. Therefore, it has been classified as a Variant of Uncertain Significance. This sequence change replaces arginine, which is basic and polar, with leucine, which is neutral and non-polar, at codon 466 of the NF2 protein (p.Arg466Leu). This variant is not present in population databases (gnomAD no frequency). This variant has not been reported in the literature in individuals affected with NF2-related conditions. ClinVar contains an entry for this variant (Variation ID: 1053799). Algorithms developed to predict the effect of missense changes on protein structure and function are either unavailable or do not agree on the potential impact of this missense change (SIFT: "Deleterious"; PolyPhen-2: "Benign"; Align-GVGD: "Class C25").

Ambry Genetics
Classification: Uncertain significance for Hereditary cancer-predisposing syndrome. Last evaluated: 2022-08-05. Review status: criteria provided, single submitter. Criteria: Ambry Variant Classification Scheme 2023. Collection method: clinical testing. Allele origin: germline.
Comment: The p.R466L variant (also known as c.1397G>T), located in coding exon 13 of the NF2 gene, results from a G to T substitution at nucleotide position 1397. The arginine at codon 466 is replaced by leucine, an amino acid with dissimilar properties. This amino acid position is highly conserved in available vertebrate species. In addition, this alteration is predicted to be deleterious by in silico analysis. Since supporting evidence is limited at this time, the clinical significance of this alteration remains unclear.